The following is an entry in ClinVar:

NM_172107.4(KCNQ2):c.649A>G (p.Thr217Ala)

Gene: KCNQ2 (potassium voltage-gated channel subfamily Q member 2; minus strand). Cytogenetic location: 20q13.33.
Variant type: single nucleotide variant.
Coding change: c.649A>G on transcript NM_172107.4 (MANE Select); coding-DNA position 649, A replaced by G.
Protein change: p.Thr217Ala; replaces threonine 217 with alanine.
Molecular consequence: missense variant.
Genome position (GRCh38, 1-based): chr20:63,444,700, T>C on the plus strand (A>G on the coding strand, the complement: KCNQ2 is on the minus strand). VCF-style: chr20-63444700-T-C. GRCh37 (hg19) VCF-style: chr20-62076053-T-C.
Other names: c.649A>G, p.Thr217Ala (NM_004518.6, NM_172106.3, NM_172108.5 and 1 more transcripts); short protein forms T217A.
Identifiers: ClinVar variation 369757 (VCV000369757.11), dbSNP rs1057516089, ClinGen allele CA10654822.

ClinVar aggregate classification (germline): Pathogenic. Review status: criteria provided, single submitter (1 of 4 stars). 2 submissions from 2 submitters: Pathogenic (1). 1 of the submissions does not count toward it. Last evaluated 2022-04-13.

Conditions:
Early-infantile DEE. Also called: Early infantile epileptic encephalopathy; Ohtahara syndrome; Early infantile epileptic encephalopathy with suppression bursts. Identifiers: Orphanet 1934, MedGen C0393706, MONDO:0800491.
Seizures, benign familial neonatal, 1. Also called: KCNQ2-Related Benign Familial Neonatal Epilepsy; Benign Neonatal Epilepsy 1; KCNQ2-Related Self-Limited Familial Neonatal Epilepsy (SLFNE); Seizures, benign neonatal, 1. Identifiers: Orphanet 1949, MedGen C3149074, MONDO:0007365, OMIM 121200.

Submissions (2):

Labcorp Genetics (formerly Invitae), Labcorp
Classification: Pathogenic for Early-infantile DEE. Last evaluated: 2022-04-13. Review status: criteria provided, single submitter. Criteria: Invitae Variant Classification Sherloc (09022015). Collection method: clinical testing. Allele origin: germline.
Comment: This missense change has been observed in individual(s) with benign familial neonatal-infantile seizures (PMID: 23360469). It has also been observed to segregate with disease in related individuals. This variant is not present in population databases (gnomAD no frequency). This sequence change replaces threonine, which is neutral and polar, with alanine, which is neutral and non-polar, at codon 217 of the KCNQ2 protein (p.Thr217Ala). ClinVar contains an entry for this variant (Variation ID: 369757). For these reasons, this variant has been classified as Pathogenic. This variant disrupts the p.Thr217 amino acid residue in KCNQ2. Other variant(s) that disrupt this residue have been determined to be pathogenic (PMID: 23621294). This suggests that this residue is clinically significant, and that variants that disrupt this residue are likely to be disease-causing. Experimental studies are conflicting or provide insufficient evidence to determine the effect of this variant on KCNQ2 function (PMID: 16319223). Advanced modeling of protein sequence and biophysical properties (such as structural, functional, and spatial information, amino acid conservation, physicochemical variation, residue mobility, and thermodynamic stability) performed at Invitae indicates that this missense variant is expected to disrupt KCNQ2 protein function.

GeneReviews
No classification provided. Condition: Seizures, benign familial neonatal, 1. Review status: no classification provided. Collection method: literature only. Allele origin: germline. Affected: yes. Not counted in ClinVar's aggregate classification.
Comment: BFIS (benign familial infantile seizures)

Functional effect: Oocytes: expressed with KCNQ3 Thr246Ala (the homologous residue to this variant)â€”moderate increase in the depolarization required for channel activation, normal total cellular protein and normal surface expression.

Literature cited by the submitters: PubMed 23360469 (cited by Labcorp Genetics (formerly Invitae), Labcorp and GeneReviews); PubMed 23621294 (cited by Labcorp Genetics (formerly Invitae), Labcorp); PubMed 16319223 (cited by Labcorp Genetics (formerly Invitae), Labcorp and GeneReviews); NCBI Bookshelf NBK32534 (cited by GeneReviews).